The following is an entry in ClinVar:

ClinVar aggregate classification (germline): Uncertain significance (1 of 4 stars; one submission).

Conditions:
Vici syndrome (VICIS). Identifiers: Orphanet 1493, MedGen C1855772, MONDO:0009452, OMIM 242840.

gnomAD v4.1: 2 of 1,613,936 alleles (0.00012%); highest among the groups gnomAD compares: Admixed American, 0.0033%; no homozygotes.

Submission:

Labcorp Genetics (formerly Invitae), Labcorp
Classification: Uncertain significance for Vici syndrome. Last evaluated: 2025-11-17. Review status: criteria provided, single submitter. Criteria: Invitae Variant Classification Sherloc (09022015). Collection method: clinical testing. Allele origin: germline.
Comment: This sequence change replaces methionine, which is neutral and non-polar, with isoleucine, which is neutral and non-polar, at codon 513 of the EPG5 protein (p.Met513Ile). This variant is present in population databases (no rsID available, gnomAD 0.003%). This variant has not been reported in the literature in individuals affected with EPG5-related conditions. ClinVar contains an entry for this variant (Variation ID: 1352358). Invitae Evidence Modeling of protein sequence and biophysical properties (such as structural, functional, and spatial information, amino acid conservation, physicochemical variation, residue mobility, and thermodynamic stability) indicates that this missense variant is not expected to disrupt EPG5 protein function with a negative predictive value of 80%. In summary, the available evidence is currently insufficient to determine the role of this variant in disease. Therefore, it has been classified as a Variant of Uncertain Significance.

NM_020964.3(EPG5):c.1539G>A (p.Met513Ile)

Gene: EPG5 (ectopic P-granules 5 autophagy tethering factor; minus strand). Cytogenetic location: 18q21.1.
Variant type: single nucleotide variant.
Coding change: c.1539G>A on transcript NM_020964.3 (MANE Select); coding-DNA position 1539, G replaced by A.
Protein change: p.Met513Ile; replaces methionine 513 with isoleucine.
Molecular consequence: missense variant.
Genome position (GRCh38, 1-based): chr18:45,948,535, C>T on the plus strand (G>A on the coding strand, the complement: EPG5 is on the minus strand). VCF-style: chr18-45948535-C-T. GRCh37 (hg19) VCF-style: chr18-43528501-C-T.
Other names: short protein forms M513I.
Identifiers: ClinVar variation 1352358 (VCV001352358.7), dbSNP rs369120436, ClinGen allele CA402349150.